The following is an entry in ClinVar:

ClinVar aggregate classification (germline): Conflicting classifications of pathogenicity. Review status: criteria provided, conflicting classifications (1 of 4 stars). 3 submissions from 3 submitters: Uncertain significance (1); Likely benign (2). Last evaluated 2026-01-07.

Conditions:
Early-infantile DEE. Also called: Ohtahara syndrome; Early infantile epileptic encephalopathy with suppression bursts; Early infantile epileptic encephalopathy. Identifiers: Orphanet 1934, MedGen C0393706, MONDO:0800491.
Early Myoclonic Encephalopathy. Identifiers: MedGen C0270855.

Allele frequency attached by ClinVar (database versions not stated): gnomAD 0.00008 and 0.00009; ExAC 0.00005; gnomAD exomes 0.00009; TOPMed 0.00010.
gnomAD v4.1: 85 of 1,613,182 alleles (0.0053%); highest among the groups gnomAD compares: Non-Finnish European, 0.0014%; no homozygotes.

Submissions (3):

Labcorp Genetics (formerly Invitae), Labcorp
Classification: Likely benign for Early-infantile DEE. Last evaluated: 2026-01-07. Review status: criteria provided, single submitter. Criteria: Invitae Variant Classification Sherloc (09022015). Collection method: clinical testing. Allele origin: germline.

Illumina Laboratory Services, Illumina
Classification: Uncertain significance for Developmental and epileptic encephalopathy, 3. Last evaluated: 2018-01-13. Review status: criteria provided, single submitter. Criteria: ICSL Variant Classification Criteria 13 December 2019. Collection method: clinical testing. Allele origin: germline.

GeneDx
Classification: Likely benign. Last evaluated: 2017-12-28. Review status: criteria provided, single submitter. Criteria: GeneDx Variant Classification (06012015). Collection method: clinical testing. Allele origin: germline. Affected: yes.
Comment: This variant is considered likely benign or benign based on one or more of the following criteria: it is a conservative change, it occurs at a poorly conserved position in the protein, it is predicted to be benign by multiple in silico algorithms, and/or has population frequency not consistent with disease.

NM_001191061.2(SLC25A22):c.651G>A (p.Pro217=)

Gene: SLC25A22 (solute carrier family 25 member 22; minus strand). Cytogenetic location: 11p15.5.
Variant type: single nucleotide variant.
Coding change: c.651G>A on transcript NM_001191061.2 (MANE Select); coding-DNA position 651, G replaced by A.
Protein change: p.Pro217=; no amino-acid change (proline 217 retained).
Molecular consequence: synonymous variant.
Genome position (GRCh38, 1-based): chr11:792,395, C>T on the plus strand (G>A on the coding strand, the complement: SLC25A22 is on the minus strand). VCF-style: chr11-792395-C-T. GRCh37 (hg19) VCF-style: chr11-792395-C-T.
Other names: c.651G>A, p.Pro217= (NM_001191060.2, NM_024698.6).
Identifiers: ClinVar variation 306264 (VCV000306264.13), dbSNP rs768604742, ClinGen allele CA5789108.